The following is an entry in ClinVar:

ClinVar aggregate classification (germline): Likely pathogenic (1 of 4 stars; one submission).

Conditions:
Ehlers-Danlos syndrome, kyphoscoliotic type 1 (EDSKSCL1). Also called: EHLERS-DANLOS SYNDROME, OCULAR-SCOLIOTIC TYPE; PLOD1-Related Kyphoscoliotic Ehlers-Danlos Syndrome; Ehlers-Danlos syndrome, hydroxylysine-deficient; EHLERS-DANLOS SYNDROME, TYPE VIA. Identifiers: Orphanet 1900, MedGen C0268342, MONDO:0016002, OMIM 225400. Disease mechanism: loss of function.

Submission:

Labcorp Genetics (formerly Invitae), Labcorp
Classification: Likely pathogenic for Ehlers-Danlos syndrome, kyphoscoliotic type 1. Last evaluated: 2024-01-10. Review status: criteria provided, single submitter. Criteria: Invitae Variant Classification Sherloc (09022015). Collection method: clinical testing. Allele origin: germline.
Comment: This variant results in the deletion of exons 11-14 and part of exon 15 (c.1098-593_1625delins456) of the PLOD1 gene. It is expected to disrupt RNA splicing. Variants that disrupt the donor or acceptor splice site typically lead to a loss of protein function (PMID: 16199547), and loss-of-function variants in PLOD1 are known to be pathogenic (PMID: 10874315, 21699693). This variant has not been reported in the literature in individuals affected with PLOD1-related conditions. This variant disrupts a region of the PLOD1 protein in which other variant(s) (p.Trp419Arg) have been observed in individuals with PLOD1-related conditions (PMID: 34265140). This suggests that this is a clinically significant region of the protein, and that variants that disrupt it are likely to be disease-causing. In summary, the currently available evidence indicates that the variant is pathogenic, but additional data are needed to prove that conclusively. Therefore, this variant has been classified as Likely Pathogenic.

Literature cited by the submitters: PubMed 16199547; PubMed 10874315; PubMed 21699693; PubMed 34265140.

NC_000001.10:g.(?_12022996)_(12026348_?)del

Gene: PLOD1 (procollagen-lysine,2-oxoglutarate 5-dioxygenase 1; plus strand). Cytogenetic location: 1p36.22.
Variant type: Deletion.
Identifiers: ClinVar variation 1495782 (VCV001495782.6).